The following is an entry in ClinVar:

NM_000155.4(GALT):c.291C>G (p.Asn97Lys)

Gene: GALT (galactose-1-phosphate uridylyltransferase; plus strand). Cytogenetic location: 9p13.3.
Variant type: single nucleotide variant.
Coding change: c.291C>G on transcript NM_000155.4 (MANE Select); coding-DNA position 291, C replaced by G.
Protein change: p.Asn97Lys; replaces asparagine 97 with lysine.
Molecular consequence: missense variant. On other transcripts: intron variant (1).
Genome position (GRCh38, 1-based): chr9:34,647,530, C>G. VCF-style: chr9-34647530-C-G. GRCh37 (hg19) VCF-style: chr9-34647527-C-G.
Other names: c.50+272C>G (NM_001258332.2); short protein forms N97K.
Identifiers: ClinVar variation 593279 (VCV000593279.6), dbSNP rs398123180, ClinGen allele CA373279247.

ClinVar aggregate classification (germline): Conflicting classifications of pathogenicity. Review status: criteria provided, conflicting classifications (1 of 4 stars). 2 submissions from 2 submitters: Likely pathogenic (1); Uncertain significance (1). Last evaluated 2026-03-12.

gnomAD v4.1: 1 of 1,614,080 alleles (0.000062%); highest among the groups gnomAD compares: South Asian, 0.0011%; no homozygotes.

Submissions (2):

Women's Health and Genetics/Laboratory Corporation of America, LabCorp
Classification: Uncertain significance. Last evaluated: 2026-03-12. Review status: criteria provided, single submitter. Criteria: LabCorp Variant Classification Summary - May 2015. Collection method: clinical testing. Allele origin: germline.
Comment: Variant summary: GALT c.291C>G (p.Asn97Lys) results in a non-conservative amino acid change in the encoded protein sequence. Algorithms developed to predict the effect of missense changes on protein structure and function all suggest that this variant is likely to be disruptive. The variant was absent in 251494 control chromosomes. The available data on variant occurrences in the general population are insufficient to allow any conclusion about variant significance. To our knowledge, no occurrence of c.291C>G in individuals affected with GALT-related conditions and no experimental evidence demonstrating its impact on protein function have been reported. ClinVar contains an entry for this variant (Variation ID: 593279). Based on the evidence outlined above, the variant was classified as uncertain significance.

Eurofins Ntd Llc (ga)
Classification: Likely pathogenic. Last evaluated: 2017-07-20. Review status: criteria provided, single submitter. Criteria: EGL Classification Definitions 2015. Collection method: clinical testing. Allele origin: germline. Observed: 1 variant allele, 1 heterozygote.